The following is an entry in ClinVar:

NM_001330078.2(NRXN1):c.1202C>T (p.Thr401Met)

Gene: NRXN1 (neurexin 1; minus strand). Cytogenetic location: 2p16.3.
Variant type: single nucleotide variant.
Coding change: c.1202C>T on transcript NM_001330078.2 (MANE Select); coding-DNA position 1202, C replaced by T.
Protein change: p.Thr401Met; replaces threonine 401 with methionine.
Molecular consequence: missense variant.
Genome position (GRCh38, 1-based): chr2:50,620,140, G>A on the plus strand (C>T on the coding strand, the complement: NRXN1 is on the minus strand). VCF-style: chr2-50620140-G-A. GRCh37 (hg19) VCF-style: chr2-50847278-G-A.
Other names: p.T441M:ACG>ATG; c.1322C>T, p.Thr441Met (NM_001135659.3); c.1178C>T, p.Thr393Met (NM_001330077.2, NM_001330082.2, NM_001330095.2); c.1163C>T, p.Thr388Met (NM_001330083.2, NM_001330084.2); c.1202C>T, p.Thr401Met (NM_001330085.2, NM_001330086.2, NM_004801.6); c.1118C>T, p.Thr373Met (NM_001330087.2, NM_001330096.2); c.1148C>T, p.Thr383Met (NM_001330088.2); c.1199C>T, p.Thr400Met (NM_001330093.2); and 1 more; short protein forms T441M, T383M, T393M, T400M, T401M, T373M, T388M, T397M.
Identifiers: ClinVar variation 206215 (VCV000206215.9), dbSNP rs796052764, ClinGen allele CA316079.

ClinVar aggregate classification (germline): Uncertain significance. Review status: criteria provided, multiple submitters, no conflicts (2 of 4 stars). 2 submissions from 2 submitters: Uncertain significance (2). Last evaluated 2025-08-09.

Conditions:
Pitt-Hopkins-like syndrome 2 (PTHSL2). Identifiers: Orphanet 221150, Orphanet 600663, MedGen C3280479, MONDO:0013690, OMIM 614325.

Allele frequency attached by ClinVar (database versions not stated): gnomAD exomes below 0.00001 and 0.00001; gnomAD 0.00001; TOPMed 0.00002.
gnomAD v4.1: 6 of 1,613,312 alleles (0.00037%); highest among the groups gnomAD compares: Middle Eastern, 0.016%; no homozygotes.

Submissions (2):

Labcorp Genetics (formerly Invitae), Labcorp
Classification: Uncertain significance for Pitt-Hopkins-like syndrome 2. Last evaluated: 2025-08-09. Review status: criteria provided, single submitter. Criteria: Invitae Variant Classification Sherloc (09022015). Collection method: clinical testing. Allele origin: germline.
Comment: This sequence change replaces threonine, which is neutral and polar, with methionine, which is neutral and non-polar, at codon 441 of the NRXN1 protein (p.Thr441Met). This variant is present in population databases (rs796052764, gnomAD 0.007%). This variant has not been reported in the literature in individuals affected with NRXN1-related conditions. ClinVar contains an entry for this variant (Variation ID: 206215). An algorithm developed to predict the effect of missense changes on protein structure and function (PolyPhen-2) suggests that this variant is likely to be disruptive. In summary, the available evidence is currently insufficient to determine the role of this variant in disease. Therefore, it has been classified as a Variant of Uncertain Significance.

GeneDx
Classification: Uncertain significance. Last evaluated: 2018-09-07. Review status: criteria provided, single submitter. Criteria: GeneDx Variant Classification (06012015). Collection method: clinical testing. Allele origin: germline. Affected: yes.
Comment: The Thr441Met missense change has not been published as a mutation, nor as it been reported as a benign polymorphism to our knowledge. The NHLBI ESP Exome Variant Project has not identified Thr441Met in approximately 5,800 individuals of European or African American ancestry, indicating that it not a common benign variant in these populations. Thr441Met is a non-conservative amino acid substitution as a polar Threonine residue is replaced by a non-polar Methionine residue. It alters a position in the second LNS domain of the NRXN1 protein that is highly conserved across species and in related proteins. To our knowledge, missense mutations have not been previously reported near the Thr441Met position. Some in silico models predict that Thr441Met may be damaging to protein structure and/or function, although others suggest that it is likely benign. Therefore, based on the available information, it is unknown whether Thr441Met is a disease-causing mutation or a rare benign variant.The variant is found in INFANT-EPI panel(s).